The following is an entry in ClinVar:

NM_058004.4(PI4KA):c.2256C>T (p.Ser752=)

Gene: PI4KA (phosphatidylinositol 4-kinase alpha; minus strand). Cytogenetic location: 22q11.21.
Variant type: single nucleotide variant.
Coding change: c.2256C>T on transcript NM_058004.4 (MANE Select); coding-DNA position 2256, C replaced by T.
Protein change: p.Ser752=; no amino-acid change (serine 752 retained).
Molecular consequence: synonymous variant.
Genome position (GRCh38, 1-based): chr22:20,796,167, G>A on the plus strand (C>T on the coding strand, the complement: PI4KA is on the minus strand). VCF-style: chr22-20796167-G-A. GRCh37 (hg19) VCF-style: chr22-21150455-G-A.
Other names: c.2256C>T, p.Ser752= (NM_001362862.2); c.2190C>T, p.Ser730= (NM_001362863.2).
Identifiers: ClinVar variation 4981763 (VCV004981763.1).

ClinVar aggregate classification (germline): Likely benign (1 of 4 stars; one submission).

Conditions:
PI4KA-related disorder. Also called: PI4KA-related disorders; PI4KA-related condition. Identifiers: MedGen CN378147, MONDO:1040012.

gnomAD v4.1: 98 of 1,613,702 alleles (0.0061%); highest among the groups gnomAD compares: African/African-American, 0.089%; no homozygotes.

Submission:

PreventionGenetics, part of Exact Sciences
Classification: Likely benign for PI4KA-related condition. Last evaluated: 2026-01-30. Review status: criteria provided, single submitter. Criteria: ACMG Guidelines, 2015. Collection method: clinical testing. Allele origin: germline.
Comment: This variant is classified as likely benign based on ACMG/AMP sequence variant interpretation guidelines (Richards et al. 2015 PMID: 25741868, with internal and published modifications).